The following is an entry in ClinVar:

NM_001164508.2(NEB):c.18367-1_18370del

Gene: NEB (nebulin; minus strand). Cytogenetic location: 2q23.3.
Variant type: Deletion.
Coding change: c.18367-1_18370del on transcript NM_001164508.2 (MANE Select); the canonical splice acceptor site of the intron before coding-DNA position 18367 through coding-DNA position 18370, 5 bases deleted (GGTAA; older notation c.18367-1_18370delGGTAA).
Molecular consequence: splice acceptor variant.
Genome position (GRCh38, 1-based): chr2:151,565,145-151,565,149, TTACC deleted on the plus strand (GGTAA on the coding strand, the reverse complement: NEB is on the minus strand); deleting any 5 consecutive bases within chr2:151,565,145-151,565,150 gives the same sequence; the c. name uses the placement nearest the transcript's 3' end. VCF-style (leftmost placement, unchanged base first): chr2-151565144-TTTACC-T. GRCh37 (hg19) VCF-style: chr2-152421658-TTTACC-T.
Other names: c.13264-1_13267del (NM_004543.5); c.18367-1_18370del (NM_001164507.2, NM_001271208.2).
Identifiers: ClinVar variation 465517 (VCV000465517.7), dbSNP rs1553770146, ClinGen allele CA658657081.

ClinVar aggregate classification (germline): Likely pathogenic (1 of 4 stars; one submission).

Conditions:
Nemaline myopathy 2 (NEM2). Also called: Nemaline myopathy 2, autosomal recessive. Identifiers: MedGen C1850569, MONDO:0009725, OMIM 256030.

Submission:

Labcorp Genetics (formerly Invitae), Labcorp
Classification: Likely pathogenic for Nemaline myopathy 2. Last evaluated: 2016-08-22. Review status: criteria provided, single submitter. Criteria: Invitae Variant Classification Sherloc (09022015). Collection method: clinical testing. Allele origin: germline.
Comment: For these reasons, this variant has been classified as Likely Pathogenic. While this particular variant has not been reported in the literature, truncating variants in NEB are known to be pathogenic (PMID: 25205138). Nucleotide substitutions within the consensus splice site are relatively common causes of aberrant splicing (PMID: 17576681, 9536098). Algorithms developed to predict the effect of nucleotide changes on RNA splicing suggest that this variant may alter RNA splicing, but this prediction has not been confirmed by published transcriptional studies. While this variant is not present in population databases, the frequency information is unreliable, as metrics indicate poor data quality at this position in the ExAC database. This variant has not been reported in the literature in an individual with a NEB-related disease. This sequence change affects an acceptor splice site in intron 116 of the NEB gene. It is expected to disrupt RNA splicing and likely results in an absent or disrupted protein product.

Literature cited by the submitters: PubMed 25205138; PubMed 17576681; PubMed 9536098.